The following is an entry in ClinVar:

NM_001367624.2(ZNF469):c.3023C>T (p.Pro1008Leu)

Gene: ZNF469 (zinc finger protein 469; plus strand). Cytogenetic location: 16q24.2.
Variant type: single nucleotide variant.
Coding change: c.3023C>T on transcript NM_001367624.2 (MANE Select); coding-DNA position 3023, C replaced by T.
Protein change: p.Pro1008Leu; replaces proline 1008 with leucine.
Molecular consequence: missense variant.
Genome position (GRCh38, 1-based): chr16:88,430,493, C>T. VCF-style: chr16-88430493-C-T. GRCh37 (hg19) VCF-style: chr16-88496901-C-T.
Other names: NM_001127464.1:c.3023C>T; short protein forms P1008L.
Identifiers: ClinVar variation 2170372 (VCV002170372.6), dbSNP rs2507581394, ClinGen allele CA397076867.
Genomic context (GRCh38, chr16:88,430,493, plus strand): 5'-AGCGGCCCCCACCCCGTCCCCGGCGCCCTAGAACGCAGGCCCCCGGGAGCCGCGCAGACC[C>T]CGCGCCCCGGGTCCCGAGAGCCGCCGCCCTCCCCGAGGAGACCCGCAGCTCCCGGCGCCG-3'
Protein context (NP_001354553.1, residues 998-1018): RTQAPGSRAD[Pro1008Leu]APRVPRAAAL

ClinVar aggregate classification (germline): Uncertain significance. Review status: criteria provided, multiple submitters, no conflicts (2 of 4 stars). 2 submissions from 2 submitters: Uncertain significance (2). Last evaluated 2023-05-17.

Conditions:
Cardiovascular phenotype. Identifiers: MedGen CN230736.

Submissions (2):

Ambry Genetics
Classification: Uncertain significance for Cardiovascular phenotype. Last evaluated: 2023-05-17. Review status: criteria provided, single submitter. Criteria: Ambry Variant Classification Scheme 2023. Collection method: clinical testing. Allele origin: germline.

Labcorp Genetics (formerly Invitae), Labcorp
Classification: Uncertain significance. Last evaluated: 2022-04-07. Review status: criteria provided, single submitter. Criteria: Invitae Variant Classification Sherloc (09022015). Collection method: clinical testing. Allele origin: germline.
Comment: This sequence change replaces proline, which is neutral and non-polar, with leucine, which is neutral and non-polar, at codon 1008 of the ZNF469 protein (p.Pro1008Leu). In summary, the available evidence is currently insufficient to determine the role of this variant in disease. Therefore, it has been classified as a Variant of Uncertain Significance. Algorithms developed to predict the effect of missense changes on protein structure and function are either unavailable or do not agree on the potential impact of this missense change (SIFT: "Deleterious"; PolyPhen-2: "Benign"; Align-GVGD: "Class C0"). This variant has not been reported in the literature in individuals affected with ZNF469-related conditions. This variant is not present in population databases (gnomAD no frequency).